The following is an entry in ClinVar:

NM_000540.3(RYR1):c.14696G>A (p.Gly4899Glu)

Gene: RYR1 (ryanodine receptor 1; plus strand). Cytogenetic location: 19q13.2.
Variant type: single nucleotide variant.
Coding change: c.14696G>A on transcript NM_000540.3 (MANE Select); coding-DNA position 14696, G replaced by A.
Protein change: p.Gly4899Glu; replaces glycine 4899 with glutamic acid.
Molecular consequence: missense variant.
Genome position (GRCh38, 1-based): chr19:38,584,992, G>A. VCF-style: chr19-38584992-G-A. GRCh37 (hg19) VCF-style: chr19-39075632-G-A.
Other names: c.14681G>A, p.Gly4894Glu (NM_001042723.2); short protein forms G4899E, G4894E.
Identifiers: ClinVar variation 65948 (VCV000065948.11), dbSNP rs118192183, ClinGen allele CA024237.

ClinVar aggregate classification (germline): Pathogenic/Likely pathogenic. Review status: criteria provided, multiple submitters, no conflicts (2 of 4 stars). 4 submissions from 4 submitters: Pathogenic (1); Likely pathogenic (1). 2 of the submissions do not count toward it. Last evaluated 2025-10-14.

Conditions:
RYR1-related disorder. Also called: RYR1-related disorders; RYR1-related condition. Identifiers: MedGen CN239331.
Central core myopathy (CMYO1A). Also called: CONGENITAL MYOPATHY 1A, AUTOSOMAL DOMINANT, WITH SUSCEPTIBILITY TO MALIGNANT HYPERTHERMIA; Central core disease; Myopathy, central fibrillar. Identifiers: Orphanet 597, MedGen C5830701, MONDO:0007294, OMIM 117000.

Submissions (4):

Variantyx, Inc.
Classification: Likely pathogenic for Central core myopathy. Last evaluated: 2025-10-14. Review status: criteria provided, single submitter. Criteria: Variantyx Assertion Criteria 2022. Collection method: clinical testing. Allele origin: de novo. Inheritance: Autosomal dominant inheritance. Affected: yes.
Comment: This is a nonsynonymous variant in the RYR1 gene (OMIM: 180901). Pathogenic variants in this gene have been associated with autosomal dominant RYR1-related myopathy. This variant has been reported in multiple unrelated affected individuals (PMID: 12937085, 11709545) (PS4_Moderate). Functional studies have shown that this variant alters RYR1 protein function, although the exact mechanism through which this alteration contributes to disease is uncertain (PMID: 15175001, 12642598) (PS3), and multiple computational algorithms predict a deleterious effect for this variant (REVEL score: 0.973) (PP3). This variant lies within a known hotspot for pathogenic variants or a well-established critical functional domain of the RYR1 protein (PMID: 11709545) (PM1). It is absent from control populations (PM2). Based on the current evidence, this variant is classified as likely pathogenic for autosomal dominant RYR1-related myopathy.

Labcorp Genetics (formerly Invitae), Labcorp
Classification: Pathogenic for RYR1-related disorder. Last evaluated: 2022-07-12. Review status: criteria provided, single submitter. Criteria: Invitae Variant Classification Sherloc (09022015). Collection method: clinical testing. Allele origin: germline.
Comment: For these reasons, this variant has been classified as Pathogenic. This variant disrupts the p.Gly4899 amino acid residue in RYR1. Other variant(s) that disrupt this residue have been determined to be pathogenic (PMID: 11741831, 12642598, 18171678, 20461000). This suggests that this residue is clinically significant, and that variants that disrupt this residue are likely to be disease-causing. Experimental studies have shown that this missense change affects RYR1 function (PMID: 12642598, 15175001, 18171678). Advanced modeling of protein sequence and biophysical properties (such as structural, functional, and spatial information, amino acid conservation, physicochemical variation, residue mobility, and thermodynamic stability) performed at Invitae indicates that this missense variant is expected to disrupt RYR1 protein function. ClinVar contains an entry for this variant (Variation ID: 65948). This missense change has been observed in individuals with central core disease and autosomal dominant congenital myopathy (PMID: 11709545, 12937085, 16621918). This variant is not present in population databases (gnomAD no frequency). This sequence change replaces glycine, which is neutral and non-polar, with glutamic acid, which is acidic and polar, at codon 4899 of the RYR1 protein (p.Gly4899Glu).

GeneReviews
Classification: Pathogenic for Central Core Disease. Last evaluated: 2010-05-11. Review status: no assertion criteria provided. Collection method: curation. Allele origin: unknown. Not counted in ClinVar's aggregate classification.
ClinVar note: Converted during submission from pathologic to Pathogenic.

RYR1 database
No classification provided. Review status: no classification provided. Collection method: not provided. Allele origin: unknown. Not counted in ClinVar's aggregate classification.

Literature cited by the submitters: PubMed 15175001 (cited by Variantyx, Inc. and Labcorp Genetics (formerly Invitae), Labcorp); PubMed 12642598 (cited by Variantyx, Inc. and Labcorp Genetics (formerly Invitae), Labcorp); PubMed 12937085 (cited by Variantyx, Inc. and Labcorp Genetics (formerly Invitae), Labcorp); PubMed 11709545 (cited by Variantyx, Inc. and Labcorp Genetics (formerly Invitae), Labcorp); PubMed 11741831 (cited by Labcorp Genetics (formerly Invitae), Labcorp); PubMed 18171678 (cited by Labcorp Genetics (formerly Invitae), Labcorp); PubMed 20461000 (cited by Labcorp Genetics (formerly Invitae), Labcorp); PubMed 16621918 (cited by Labcorp Genetics (formerly Invitae), Labcorp).